The following is an entry in ClinVar:

NM_020937.4(FANCM):c.2003-5T>G

Gene: FANCM (FA complementation group M; plus strand). Cytogenetic location: 14q21.2.
Variant type: single nucleotide variant.
Coding change: c.2003-5T>G on transcript NM_020937.4 (MANE Select); 5 bases into the intron before coding-DNA position 2003, T replaced by G.
Molecular consequence: intron variant.
Genome position (GRCh38, 1-based): chr14:45,170,584, T>G. VCF-style: chr14-45170584-T-G. GRCh37 (hg19) VCF-style: chr14-45639787-T-G.
Other names: c.1925-5T>G (NM_001308133.2).
Identifiers: ClinVar variation 1369552 (VCV001369552.8), dbSNP rs2139226103, ClinGen allele CA2573149952.

ClinVar aggregate classification (germline): Uncertain significance (1 of 4 stars; one submission).

Conditions:
Fanconi anemia (FA). Also called: Fanconi's anemia. Identifiers: Orphanet 84, MedGen C0015625, MeSH D005199, MONDO:0019391.

Submission:

Labcorp Genetics (formerly Invitae), Labcorp
Classification: Uncertain significance for Fanconi anemia. Last evaluated: 2021-03-16. Review status: criteria provided, single submitter. Criteria: Invitae Variant Classification Sherloc (09022015). Collection method: clinical testing. Allele origin: germline.
Comment: In summary, the available evidence is currently insufficient to determine the role of this variant in disease. Therefore, it has been classified as a Variant of Uncertain Significance. This sequence change falls in intron 11 of the FANCM gene. It does not directly change the encoded amino acid sequence of the FANCM protein. This variant is not present in population databases (ExAC no frequency). This variant has not been reported in the literature in individuals with FANCM-related conditions. Algorithms developed to predict the effect of sequence changes on RNA splicing suggest that this variant may disrupt the consensus splice site, but this prediction has not been confirmed by published transcriptional studies.